The following is an entry in ClinVar:

NM_012293.3(PXDN):c.2569T>C (p.Cys857Arg)

Gene: PXDN (peroxidasin; minus strand). Cytogenetic location: 2p25.3.
Variant type: single nucleotide variant.
Coding change: c.2569T>C on transcript NM_012293.3 (MANE Select); coding-DNA position 2569, T replaced by C.
Protein change: p.Cys857Arg; replaces cysteine 857 with arginine.
Molecular consequence: missense variant.
Genome position (GRCh38, 1-based): chr2:1,649,211, A>G on the plus strand (T>C on the coding strand, the complement: PXDN is on the minus strand). VCF-style: chr2-1649211-A-G. GRCh37 (hg19) VCF-style: chr2-1652983-A-G.
Other names: short protein forms C857R.
Identifiers: ClinVar variation 988077 (VCV000988077.2), dbSNP rs1682948313, ClinGen allele CA345706579.
Genomic context (GRCh38, chr2:1,649,211, plus strand): 5'-ACATGCAGCGGGCCCCGCTCCTGGCCCGGGAGTCATTGGGGGGGATCATGACAGAGAAGC[A>G]GGGGGGGTCGTTGCTGCACACGTTGCTGCAGTGCTGTCCGTCGGAGAAGCGTGCCTGGCT-3'
Protein context (NP_036425.1, residues 847-867): CSNVCSNDPP[Cys857Arg]FSVMIPPNDS

ClinVar aggregate classification (germline): Uncertain significance (1 of 4 stars; one submission).

Conditions:
Anterior segment dysgenesis 7 (ASGD7). Also called: Anterior segment dysgenesis 7, with sclerocornea; SCLEROCORNEA WITH OTHER OCULAR ANOMALIES. Identifiers: Orphanet 289499, MedGen C3151617, MONDO:0010015, OMIM 269400.

Submission:

Genetics Department, University Hospital of Toulouse
Classification: Uncertain significance for Anterior segment dysgenesis 7. Last evaluated: 2020-11-26. Review status: criteria provided, single submitter. Criteria: ACMG Guidelines, 2015. Collection method: clinical testing. Allele origin: germline. Affected: yes. Observed: 1 variant allele.
Comment: PM1, PP2, PP3